The following is an entry in ClinVar:

ClinVar aggregate classification (germline): Conflicting classifications of pathogenicity. Review status: criteria provided, conflicting classifications (1 of 4 stars). 3 submissions from 3 submitters: Uncertain significance (1); Likely benign (1). 1 of the submissions does not count toward it. Last evaluated 2023-03-23.

Conditions:
Neuroblastoma (NB). Identifiers: Orphanet 635, MedGen C0027819, MeSH D009447, MONDO:0005072, HP:0003006.
Hereditary cancer-predisposing syndrome. Also called: Hereditary neoplastic syndrome; Hereditary Cancer Syndrome; Tumor predisposition; Neoplastic Syndromes, Hereditary. Identifiers: Orphanet 140162, MedGen C0027672, MeSH D009386, MONDO:0015356.

Submissions (3):

University of Washington Department of Laboratory Medicine, University of Washington
Classification: Likely benign for Hereditary cancer-predisposing syndrome. Last evaluated: 2023-03-23. Review status: criteria provided, single submitter. Criteria: Dines et al. (Genet Med. 2020). Collection method: curation. Allele origin: germline.
Comment: Missense variant in a coldspot region where missense variants are very unlikely to be pathogenic (PMID:31911673).

BRCA2 exon 10 coldspot. Reclassification based on statistical prior probability.

Color Diagnostics, LLC DBA Color Health
Classification: Uncertain significance for Hereditary cancer-predisposing syndrome. Last evaluated: 2019-04-19. Review status: criteria provided, single submitter. Criteria: ACMG Guidelines, 2015. Collection method: clinical testing. Allele origin: germline.

Donald Williams Parsons Laboratory, Baylor College of Medicine
Classification: other for NEUROBLASTOMA. Last evaluated: 2016-05-01. Review status: no assertion criteria provided. Collection method: clinical testing. Allele origin: somatic. Inheritance: Somatic mutation. Affected: yes. Study: CSER-BASIC3. Not counted in ClinVar's aggregate classification.

Literature cited by the submitters: PubMed 26822237 (cited by Donald Williams Parsons Laboratory, Baylor College of Medicine).

NM_000059.4(BRCA2):c.1075G>A (p.Glu359Lys)

Gene: BRCA2 (BRCA2 DNA repair associated; plus strand). Cytogenetic location: 13q13.1.
Variant type: single nucleotide variant.
Coding change: c.1075G>A on transcript NM_000059.4 (MANE Select); coding-DNA position 1075, G replaced by A.
Protein change: p.Glu359Lys; replaces glutamic acid 359 with lysine.
Molecular consequence: missense variant.
Genome position (GRCh38, 1-based): chr13:32,332,553, G>A. VCF-style: chr13-32332553-G-A. GRCh37 (hg19) VCF-style: chr13-32906690-G-A.
Other names: short protein forms E359K.
Identifiers: ClinVar variation 438754 (VCV000438754.6), dbSNP rs1555281730, ClinGen allele CA387761412.